The following is an entry in ClinVar:

NM_000091.5(COL4A3):c.416G>A (p.Gly139Glu)

Genes: COL4A3 (collagen type IV alpha 3 chain; plus strand), MFF-DT (MFF divergent transcript; minus strand). Cytogenetic location: 2q36.3.
Variant type: single nucleotide variant.
Coding change: c.416G>A on transcript NM_000091.5 (MANE Select); coding-DNA position 416, G replaced by A.
Protein change: p.Gly139Glu; replaces glycine 139 with glutamic acid.
Molecular consequence: missense variant.
Genome position (GRCh38, 1-based): chr2:227,246,713, G>A. VCF-style: chr2-227246713-G-A. GRCh37 (hg19) VCF-style: chr2-228111429-G-A.
Other names: c.416G>A (NM_000091.4); short protein forms G139E.
Identifiers: ClinVar variation 1341998 (VCV001341998.2), dbSNP rs2125911862, ClinGen allele CA350861811.

ClinVar aggregate classification (germline): Conflicting classifications of pathogenicity. Review status: criteria provided, conflicting classifications (1 of 4 stars). 2 submissions from 2 submitters: Likely pathogenic (1); Uncertain significance (1). Last evaluated 2025-12-19.

Conditions:
Alport syndrome. Also called: Hemorrhagic familial nephritis; Hemorrhagic hereditary nephritis; Congenital hereditary hematuria. Identifiers: Orphanet 63, MedGen C1567741, MONDO:0018965.
Autosomal dominant Alport syndrome (ATS3A). Also called: Alport syndrome dominant type; Renal failure and sensorineural hearing loss; ALPORT SYNDROME 3A, AUTOSOMAL DOMINANT. Identifiers: Orphanet 63, Orphanet 88918, MedGen C5882663, MONDO:0007086, OMIM 104200.

Allele frequency attached by ClinVar (database versions not stated): gnomAD exomes below 0.00001.
gnomAD v4.1: 1 of 1,612,700 alleles (0.000062%); highest among the groups gnomAD compares: Non-Finnish European, 0.000085%; no homozygotes.

Submissions (2):

Natera, Inc.
Classification: Likely pathogenic for Alport syndrome. Last evaluated: 2025-12-19. Review status: criteria provided, single submitter. Criteria: Natera Variant Classification Schema (03/2026). Collection method: clinical testing. Allele origin: germline.
Comment: The c.416G>A variant in COL4A3 is a missense variant predicted to cause substitution of glycine to glutamic acid at amino acid 139. This variant is rare in the general population with a frequency below the threshold expected for the associated phenotype(s). This variant is located in a functionally critical region of the protein. Computational prediction algorithms indicate this variant is likely to affect gene or protein function. Given the available evidence, this variant is classified as Likely Pathogenic.

CENTOGENE GmbH and LLC - Guiding Precision Medicine
Classification: Uncertain significance for Autosomal dominant Alport syndrome. Last evaluated: 2022-02-21. Review status: criteria provided, single submitter. Criteria: ACMG Guidelines, 2015. Collection method: clinical testing. Allele origin: germline. Affected: yes.